The following is an entry in ClinVar:

NM_000554.6(CRX):c.684_685delinsAA (p.Leu229Ile)

Gene: CRX (cone-rod homeobox; plus strand). Cytogenetic location: 19q13.33.
Variant type: Indel.
Coding change: c.684_685delinsAA on transcript NM_000554.6 (MANE Select); coding-DNA positions 684 to 685, GC replaced by AA.
Protein change: p.Leu229Ile; replaces leucine 229 with isoleucine.
Molecular consequence: missense variant.
Genome position (GRCh38, 1-based): chr19:47,839,751-47,839,752, GC replaced by AA. VCF-style: chr19-47839751-GC-AA. GRCh37 (hg19) VCF-style: chr19-48343008-GC-AA.
Other names: short protein forms L229I.
Identifiers: ClinVar variation 866884 (VCV000866884.7), dbSNP rs1968171338, ClinGen allele CA916083705.
Genomic context (GRCh38, chr19:47,839,751, plus strand): 5'-TGGGTCTCCGAGCTCCTATTTCAGCGGCCTAGACCCCTACCTTTCTCCCATGGTGCCCCA[GC>AA]TAGGGGGCCCGGCTCTTAGCCCCCTCTCTGGCCCCTCCGTGGGACCTTCCCTGGCCCAGT-3'
Protein context (NP_000545.1, residues 219-239): DPYLSPMVPQ[Leu229Ile]GGPALSPLSG

ClinVar aggregate classification (germline): Uncertain significance (1 of 4 stars; one submission).

Conditions:
Cone-rod dystrophy 2 (CORD2). Also called: CONE-ROD RETINAL DYSTROPHY; Cone-rod retinal dystrophy 2. Identifiers: Orphanet 1872, MedGen C3489532, MONDO:0007362, OMIM 120970.
Leber congenital amaurosis 7 (LCA7). Identifiers: Orphanet 65, MedGen C3151192, MONDO:0013449, OMIM 613829.

Submission:

Labcorp Genetics (formerly Invitae), Labcorp
Classification: Uncertain significance for Cone-rod dystrophy 2; Leber congenital amaurosis 7. Last evaluated: 2025-04-22. Review status: criteria provided, single submitter. Criteria: Invitae Variant Classification Sherloc (09022015). Collection method: clinical testing. Allele origin: germline.
Comment: This sequence change replaces leucine, which is neutral and non-polar, with isoleucine, which is neutral and non-polar, at codon 229 of the CRX protein (p.Leu229Ile). Information on the frequency of this variant in the gnomAD database is not available, as this variant may be reported differently in the database. This variant has not been reported in the literature in individuals affected with CRX-related conditions. ClinVar contains an entry for this variant (Variation ID: 866884). Experimental studies and prediction algorithms are not available or were not evaluated, and the functional significance of this variant is currently unknown. In summary, the available evidence is currently insufficient to determine the role of this variant in disease. Therefore, it has been classified as a Variant of Uncertain Significance.